The following is an entry in ClinVar:

ClinVar aggregate classification (germline): Uncertain significance. Review status: criteria provided, multiple submitters, no conflicts (2 of 4 stars). 4 submissions from 4 submitters: Uncertain significance (4). Last evaluated 2026-01-16.

Conditions:
Pheochromocytoma/paraganglioma syndrome 2. Also called: SDHAF2-Related Hereditary Paraganglioma-Pheochromocytoma Syndrome; GLOMUS TUMORS, FAMILIAL, 2; Paragangliomas 2; SDHAF2-Related Hereditary Paraganglioma-Pheochromocytoma Syndrome (Paragangliomas 2). Identifiers: Orphanet 29072, MedGen C1866552, MONDO:0011121, OMIM 601650.
Hereditary cancer-predisposing syndrome. Also called: Tumor predisposition; Hereditary Cancer Syndrome; Hereditary neoplastic syndrome; Neoplastic Syndromes, Hereditary. Identifiers: Orphanet 140162, MedGen C0027672, MeSH D009386, MONDO:0015356.
Hereditary pheochromocytoma and paraganglioma. Also called: Hereditary paragangliomas and pheochromocytomas; Hereditary pheochromocytoma-paraganglioma; Hereditary Paraganglioma-Pheochromocytoma Syndromes. Identifiers: Orphanet 29072, MedGen C4274332, MONDO:0017366.

gnomAD v4.1: 2 of 1,614,160 alleles (0.00012%); highest among the groups gnomAD compares: African/African-American, 0.0013%; no homozygotes.

Submissions (4):

Labcorp Genetics (formerly Invitae), Labcorp
Classification: Uncertain significance for Hereditary pheochromocytoma and paraganglioma. Last evaluated: 2026-01-16. Review status: criteria provided, single submitter. Criteria: Invitae Variant Classification Sherloc (09022015). Collection method: clinical testing. Allele origin: germline.
Comment: This sequence change replaces serine, which is neutral and polar, with leucine, which is neutral and non-polar, at codon 10 of the SDHAF2 protein (p.Ser10Leu). This variant is not present in population databases (gnomAD no frequency). This variant has not been reported in the literature in individuals affected with SDHAF2-related conditions. ClinVar contains an entry for this variant (Variation ID: 653000). An algorithm developed to predict the effect of missense changes on protein structure and function outputs the following: PolyPhen-2: "Benign". The leucine amino acid residue is found in multiple mammalian species, which suggests that this missense change does not adversely affect protein function. In summary, the available evidence is currently insufficient to determine the role of this variant in disease. Therefore, it has been classified as a Variant of Uncertain Significance.

Ambry Genetics
Classification: Uncertain significance for Hereditary cancer-predisposing syndrome. Last evaluated: 2025-03-04. Review status: criteria provided, single submitter. Criteria: Ambry Variant Classification Scheme 2023. Collection method: clinical testing. Allele origin: germline.
Comment: The p.S10L variant (also known as c.29C>T), located in coding exon 1 of the SDHAF2 gene, results from a C to T substitution at nucleotide position 29. The serine at codon 10 is replaced by leucine, an amino acid with dissimilar properties. This amino acid position is poorly conserved in available vertebrate species, and leucine is the reference amino acid in other vertebrate species. In addition, this alteration is predicted to be tolerated by in silico analysis. Based on the available evidence, the clinical significance of this variant remains unclear.

Baylor Genetics
Classification: Uncertain significance for Pheochromocytoma/paraganglioma syndrome 2. Last evaluated: 2024-03-18. Review status: criteria provided, single submitter. Criteria: ACMG Guidelines, 2015. Collection method: clinical testing. Allele origin: unknown.

All of Us Research Program, National Institutes of Health
Classification: Uncertain significance for Hereditary pheochromocytoma and paraganglioma. Last evaluated: 2023-12-18. Review status: criteria provided, single submitter. Criteria: ACMG Guidelines, 2015. Collection method: clinical testing. Allele origin: germline. Inheritance: Autosomal dominant inheritance. Observed: 2 variant alleles, 2 heterozygotes.
Comment: This missense variant replaces serine with leucine at codon 10 of the SDHAF2 protein. Computational prediction suggests that this variant may not impact protein structure and function (internally defined REVEL score threshold <= 0.5, PMID: 27666373). To our knowledge, functional studies have not been reported for this variant. This variant has not been reported in individuals affected with SDHAF2-related disorders in the literature. This variant has not been identified in the general population by the Genome Aggregation Database (gnomAD). The available evidence is insufficient to determine the role of this variant in disease conclusively. Therefore, this variant is classified as a Variant of Uncertain Significance.

This study involves interpretation of variants in research participants for the purpose of population health screening. Participant phenotype was not available at the time of variant classification. Additional details can be found in publication PMID: 35346344, PMCID: PMC8962531

NM_017841.4(SDHAF2):c.29C>T (p.Ser10Leu)

Gene: SDHAF2 (succinate dehydrogenase complex assembly factor 2; plus strand). Cytogenetic location: 11q12.2.
Variant type: single nucleotide variant.
Coding change: c.29C>T on transcript NM_017841.4 (MANE Select); coding-DNA position 29, C replaced by T.
Protein change: p.Ser10Leu; replaces serine 10 with leucine.
Molecular consequence: missense variant.
Genome position (GRCh38, 1-based): chr11:61,430,175, C>T. VCF-style: chr11-61430175-C-T. GRCh37 (hg19) VCF-style: chr11-61197647-C-T.
Other names: short protein forms S10L.
Identifiers: ClinVar variation 653000 (VCV000653000.13), dbSNP rs1590759653, ClinGen allele CA380680204.